The following is an entry in ClinVar:

ClinVar aggregate classification (germline): Uncertain significance (1 of 4 stars; one submission).

Conditions:
Melnick-Needles syndrome (MNS). Also called: MELNICK-NEEDLES OSTEODYSPLASTY; OSTEODYSPLASTY OF MELNICK AND NEEDLES; Melnick-Needles Syndrome (FLNA-MNS). Identifiers: Orphanet 2484, MedGen C0025237, MONDO:0010650, OMIM 309350.
Heterotopia, periventricular, X-linked dominant (PVNH1). Also called: PERIVENTRICULAR NODULAR HETEROTOPIA 1; X-linked periventricular heterotopia; PERIVENTRICULAR NODULAR HETEROTOPIA 4; HETEROTOPIA, PERIVENTRICULAR, 1. Identifiers: Orphanet 2149, Orphanet 82004, MedGen C1848213, MONDO:0010233, OMIM 300049.
Frontometaphyseal dysplasia (FMD1). Identifiers: Orphanet 1826, MedGen C0265293, MONDO:0015942.
Oto-palato-digital syndrome, type II (OPD2). Also called: FACIOPALATOOSSEOUS SYNDROME; OPD II SYNDROME; Otopalatodigital Syndrome Type 2 (FLNA-OPD2); Otopalatodigital Syndrome, Type II. Identifiers: Orphanet 669, Orphanet 90652, MedGen C1844696, MONDO:0010571, OMIM 304120.

gnomAD v4.1: 1 of 1,212,011 alleles (0.000083%); highest among the groups gnomAD compares: Non-Finnish European, 0.00011%; no homozygotes.

Submission:

Labcorp Genetics (formerly Invitae), Labcorp
Classification: Uncertain significance for Oto-palato-digital syndrome, type II; Heterotopia, periventricular, X-linked dominant; Frontometaphyseal dysplasia; Melnick-Needles syndrome. Last evaluated: 2022-07-19. Review status: criteria provided, single submitter. Criteria: Invitae Variant Classification Sherloc (09022015). Collection method: clinical testing. Allele origin: germline.
Comment: In summary, the available evidence is currently insufficient to determine the role of this variant in disease. Therefore, it has been classified as a Variant of Uncertain Significance. Advanced modeling of protein sequence and biophysical properties (such as structural, functional, and spatial information, amino acid conservation, physicochemical variation, residue mobility, and thermodynamic stability) performed at Invitae indicates that this missense variant is not expected to disrupt FLNA protein function. This variant has not been reported in the literature in individuals affected with FLNA-related conditions. This variant is not present in population databases (gnomAD no frequency). This sequence change replaces aspartic acid, which is acidic and polar, with histidine, which is basic and polar, at codon 2114 of the FLNA protein (p.Asp2114His).

NM_001110556.2(FLNA):c.6364G>C (p.Asp2122His)

Gene: FLNA (filamin A; minus strand). Cytogenetic location: Xq28.
Variant type: single nucleotide variant.
Coding change: c.6364G>C on transcript NM_001110556.2 (MANE Select); coding-DNA position 6364, G replaced by C.
Protein change: p.Asp2122His; replaces aspartic acid 2122 with histidine.
Molecular consequence: missense variant.
Genome position (GRCh38, 1-based): chrX:154,352,787, C>G on the plus strand (G>C on the coding strand, the complement: FLNA is on the minus strand). VCF-style: chrX-154352787-C-G. GRCh37 (hg19) VCF-style: chrX-153581155-C-G.
Other names: c.6340G>C, p.Asp2114His (NM_001456.4); short protein forms D2122H, D2114H.
Identifiers: ClinVar variation 2086977 (VCV002086977.4), dbSNP rs1473151451, ClinGen allele CA415193105.